The following is an entry in ClinVar:

ClinVar aggregate classification (germline): Pathogenic/Likely pathogenic. Review status: criteria provided, multiple submitters, no conflicts (2 of 4 stars). 4 submissions from 4 submitters: Pathogenic (1); Likely pathogenic (2). 1 of the submissions does not count toward it. Last evaluated 2026-10-15.

Conditions:
Autosomal dominant nonsyndromic hearing loss 2A. Also called: DFNA2 Nonsyndromic Hearing Loss; Deafness, autosomal dominant 2A; Autosomal dominant nonsyndromic deafness 2A. Identifiers: Orphanet 90635, MedGen C2677637, MONDO:0010817, OMIM 600101.

Allele frequency attached by ClinVar (database versions not stated): gnomAD 0.00001; gnomAD exomes 0.00010.
gnomAD v4.1: 33 of 1,297,126 alleles (0.0025%); highest among the groups gnomAD compares: East Asian, 0.12%; no homozygotes.

Submissions (4):

GeneDx
Classification: Likely pathogenic. Last evaluated: 2026-10-15. Review status: criteria provided, single submitter. Criteria: GeneDx Variant Classification Process June 2021. Collection method: clinical testing. Allele origin: germline.
Comment: Reported in multiple individuals with hearing loss in the literature (PMID: 30556268, 34515852, 37009795, 38956136, 40164689); Published functional studies demonstrate a damaging effect; variant reduces voltage-gated potassium channel activity in a dominant negative mechanism (PMID: 30556268); In silico analysis supports that this missense variant has a deleterious effect on protein structure/function; This variant is associated with the following publications: (PMID: 31434872, 37009795, 36597364, 34519870, 34515852, 36140355, 41023131, 34712263, 36147510, 40164689, 40322553, 30556268, 38956136)

Variantyx, Inc.
Classification: Likely pathogenic for Autosomal dominant nonsyndromic hearing loss 2A. Last evaluated: 2025-04-15. Review status: criteria provided, single submitter. Criteria: Variantyx Assertion Criteria 2022. Collection method: clinical testing. Allele origin: germline. Inheritance: Autosomal dominant inheritance. Affected: yes.
Comment: This is a nonsynonymous variant in the KCNQ4 gene (OMIM: 603537). Pathogenic variants in this gene have been associated with autosomal dominant deafness 2A. This variant has been reported in at least 4 unrelated affected individuals (PMID: 30556268) (PS4). Functional studies have shown that this variant alters KCNQ4 protein function (PMID: 30556268) (PS3). This variant has a 0.1324% maximum allele frequency in non-founder control populations. Based on the current evidence, this variant is classified as likely pathogenic for autosomal dominant deafness 2A.

Mendelics
Classification: Pathogenic for Autosomal dominant nonsyndromic hearing loss 2A. Last evaluated: 2022-05-04. Review status: criteria provided, single submitter. Criteria: Mendelics Assertion Criteria 2019. Collection method: clinical testing. Allele origin: germline.

Laboratory of Molecular Genetics, Brain Korea 21 PLUS Project for Medical Sciences, Yonsei University College of Medicine
Classification: Pathogenic for Autosomal dominant nonsyndromic hearing loss 2A. Last evaluated: 2017-10-20. Review status: no assertion criteria provided. Collection method: clinical testing. Allele origin: germline. Inheritance: Autosomal dominant inheritance. Affected: yes. Not counted in ClinVar's aggregate classification.

Literature cited by the submitters: PubMed 30556268 (cited by Variantyx, Inc.).

NM_004700.4(KCNQ4):c.140T>C (p.Leu47Pro)

Gene: KCNQ4 (potassium voltage-gated channel subfamily Q member 4; plus strand). Cytogenetic location: 1p34.2.
Variant type: single nucleotide variant.
Coding change: c.140T>C on transcript NM_004700.4 (MANE Select); coding-DNA position 140, T replaced by C.
Protein change: p.Leu47Pro; replaces leucine 47 with proline.
Molecular consequence: missense variant.
Genome position (GRCh38, 1-based): chr1:40,784,233, T>C. VCF-style: chr1-40784233-T-C. GRCh37 (hg19) VCF-style: chr1-41249905-T-C.
Other names: c.140T>C, p.Leu47Pro (NM_172163.3); short protein forms L47P.
Identifiers: ClinVar variation 585006 (VCV000585006.7), dbSNP rs1271250198, ClinGen allele CA339885140.